The following is an entry in ClinVar:

NM_001042492.3(NF1):c.7149C>T (p.Asn2383=)

Gene: NF1 (neurofibromin 1; plus strand). Cytogenetic location: 17q11.2.
Variant type: single nucleotide variant.
Coding change: c.7149C>T on transcript NM_001042492.3 (MANE Select); coding-DNA position 7149, C replaced by T.
Protein change: p.Asn2383=; no amino-acid change (asparagine 2383 retained).
Molecular consequence: synonymous variant.
Genome position (GRCh38, 1-based): chr17:31,343,095, C>T. VCF-style: chr17-31343095-C-T. GRCh37 (hg19) VCF-style: chr17-29670113-C-T.
Other names: c.7086C>T, p.Asn2362= (NM_000267.4).
Identifiers: ClinVar variation 1082103 (VCV001082103.10), dbSNP rs2069868799, ClinGen allele CA499236843.
Genomic context (GRCh38, chr17:31,343,095, plus strand): 5'-CCGGAATCCTCTGGAGTGGCACTGCAAGCAAATGGATCATTTTGTTGGACTCAATTTCAA[C>T]TCTAACTTTAACTTTGCATTGGTTGGACACCTTTTAAAAGGTAAAAAAGCCTTATTTAGA-3'
Protein context (NP_001035957.1, residues 2373-2393): QMDHFVGLNF[Asn2383=]SNFNFALVGH

ClinVar aggregate classification (germline): Benign/Likely benign. Review status: criteria provided, multiple submitters, no conflicts (2 of 4 stars). 3 submissions from 3 submitters: Benign (1); Likely benign (2). Last evaluated 2026-09-23.

Conditions:
Cardiovascular phenotype. Identifiers: MedGen CN230736.
Hereditary cancer-predisposing syndrome. Also called: Hereditary Cancer Syndrome; Hereditary neoplastic syndrome; Neoplastic Syndromes, Hereditary; Tumor predisposition. Identifiers: Orphanet 140162, MedGen C0027672, MeSH D009386, MONDO:0015356.
Neurofibromatosis, type 1 (NF1). Also called: Neurofibromatosis, type I; VON RECKLINGHAUSEN DISEASE; Peripheral type neurofibromatosis; NEUROFIBROMATOSIS, TYPE I, SOMATIC. Identifiers: Orphanet 636, MedGen C0027831, MONDO:0018975, OMIM 162200. Disease mechanism: loss of function.

Allele frequency attached by ClinVar (database versions not stated): gnomAD 0.00001.
gnomAD v4.1: 1 of 1,613,810 alleles (0.000062%); highest among the groups gnomAD compares: African/African-American, 0.0013%; no homozygotes.

Submissions (3):

Myriad Genetics, Inc.
Classification: Benign for Neurofibromatosis, type 1. Last evaluated: 2026-09-23. Review status: criteria provided, single submitter. Criteria: Myriad Autosomal Dominant, Autosomal Recessive and X-Linked Classification Criteria (2023). Collection method: clinical testing. Allele origin: unknown.
Comment: This variant is considered benign. This variant is a silent/synonymous amino acid change and it is not expected to impact splicing.

Labcorp Genetics (formerly Invitae), Labcorp
Classification: Likely benign for Neurofibromatosis, type 1. Last evaluated: 2020-10-07. Review status: criteria provided, single submitter. Criteria: Invitae Variant Classification Sherloc (09022015). Collection method: clinical testing. Allele origin: germline.

Ambry Genetics
Classification: Likely benign for Cardiovascular phenotype; Hereditary cancer-predisposing syndrome. Last evaluated: 2019-04-14. Review status: criteria provided, single submitter. Criteria: Ambry Variant Classification Scheme 2023. Collection method: clinical testing. Allele origin: germline.